The following is an entry in ClinVar:

ClinVar aggregate classification (germline): Uncertain significance (1 of 4 stars; one submission).

Conditions:
Primary dilated cardiomyopathy (DCM). Also called: Dilated Cardiomyopathy. Identifiers: Orphanet 217604, MedGen C0007193, MeSH D002311, MONDO:0005021, HP:0001644. Inheritance: Various modes of inheritance.

Allele frequency attached by ClinVar (database versions not stated): gnomAD 0.00001; TOPMed 0.00001.
gnomAD v4.1: 1 of 1,613,200 alleles (0.000062%); highest among the groups gnomAD compares: African/African-American, 0.0013%; no homozygotes.

Submission:

Labcorp Genetics (formerly Invitae), Labcorp
Classification: Uncertain significance for Primary dilated cardiomyopathy. Last evaluated: 2022-01-16. Review status: criteria provided, single submitter. Criteria: Invitae Variant Classification Sherloc (09022015). Collection method: clinical testing. Allele origin: germline.
Comment: In summary, the available evidence is currently insufficient to determine the role of this variant in disease. Therefore, it has been classified as a Variant of Uncertain Significance. Algorithms developed to predict the effect of missense changes on protein structure and function (SIFT, PolyPhen-2, Align-GVGD) all suggest that this variant is likely to be tolerated. This variant has not been reported in the literature in individuals affected with NEBL-related conditions. This variant is present in population databases (no rsID available, gnomAD 0.0009%). This sequence change replaces valine, which is neutral and non-polar, with isoleucine, which is neutral and non-polar, at codon 783 of the NEBL protein (p.Val783Ile).

NM_006393.3(NEBL):c.2347G>A (p.Val783Ile)

Gene: NEBL (nebulette; minus strand). Cytogenetic location: 10p12.31.
Variant type: single nucleotide variant.
Coding change: c.2347G>A on transcript NM_006393.3 (MANE Select); coding-DNA position 2347, G replaced by A.
Protein change: p.Val783Ile; replaces valine 783 with isoleucine.
Molecular consequence: missense variant.
Genome position (GRCh38, 1-based): chr10:20,812,940, C>T on the plus strand (G>A on the coding strand, the complement: NEBL is on the minus strand). VCF-style: chr10-20812940-C-T. GRCh37 (hg19) VCF-style: chr10-21101869-C-T.
Other names: c.358G>A, p.Val120Ile (NM_001173484.2, NM_001377322.1, NM_213569.2); c.310G>A, p.Val104Ile (NM_001377323.1); c.301G>A, p.Val101Ile (NM_001377324.1); c.292G>A, p.Val98Ile (NM_001377325.1); c.250G>A, p.Val84Ile (NM_001377326.1, NM_001377327.1, NM_001377328.1); short protein forms V101I, V104I, V98I, V120I, V783I, V84I.
Identifiers: ClinVar variation 2175886 (VCV002175886.4), dbSNP rs895436645, ClinGen allele CA204166219.
Genomic context (GRCh38, chr10:20,812,940, plus strand): 5'-CGTCCACGACGGGAGTAAAGCCTCTCCCCTTTGTTTTTTCAAAATCTTCATGGTATTTTA[C>T]CTGAAAAAGGAAAAATCATCATACTGAATTTTGCGGATAGTTACCTCTTTCACAACATTT-3'
Protein context (NP_006384.1, residues 773-793): VKEAQNHISM[Val783Ile]KYHEDFEKTK